The following is an entry in ClinVar:

ClinVar aggregate classification (germline): Pathogenic (1 of 4 stars; one submission).

Conditions:
Familial adenomatous polyposis 1 (FAP1). Also called: FAMILIAL ADENOMATOUS POLYPOSIS 1, ATTENUATED; POLYPOSIS, ADENOMATOUS INTESTINAL. Identifiers: MedGen C2713442, MONDO:0021056, OMIM 175100. Disease mechanism: loss of function.

Submission:

Myriad Genetics, Inc.
Classification: Pathogenic for Familial adenomatous polyposis 1. Last evaluated: 2023-05-04. Review status: criteria provided, single submitter. Criteria: Myriad Autosomal Dominant, Autosomal Recessive and X-Linked Classification Criteria (2023). Collection method: clinical testing. Allele origin: unknown.
Comment: This variant is considered pathogenic. This variant creates a frameshift predicted to result in premature protein truncation.

NM_000038.6(APC):c.2480_2481insAT (p.Asn827fs)

Gene: APC (APC regulator of Wnt signaling pathway; plus strand). Cytogenetic location: 5q22.2.
Variant type: Insertion.
Coding change: c.2480_2481insAT on transcript NM_000038.6 (MANE Select); coding-DNA positions 2480 to 2481, AT inserted.
Protein change: p.Asn827fs; shifts the reading frame from asparagine 827.
Molecular consequence: frameshift variant. On other transcripts: non-coding transcript variant (2).
Genome position: GRCh38 VCF-style: chr5-112838074-A-AAT. GRCh37 (hg19) VCF-style: chr5-112173771-A-AAT.
Other names: c.2480_2481insAT, p.Asn827fs (NM_001127510.3, NM_001354895.2, NM_001407450.1); c.2426_2427insAT, p.Asn809fs (NM_001127511.3); c.2534_2535insAT, p.Asn845fs (NM_001354896.2, NM_001407447.1, NM_001407448.1 and 1 more transcripts); c.2510_2511insAT, p.Asn837fs (NM_001354897.2); c.2405_2406insAT, p.Asn802fs (NM_001354898.2); c.2396_2397insAT, p.Asn799fs (NM_001354899.2); c.2357_2358insAT, p.Asn786fs (NM_001354900.2); c.2303_2304insAT, p.Asn768fs (NM_001354901.2, NM_001407453.1); and 11 more; short protein forms N443fs, N544fs, N667fs, N698fs, N701fs, N726fs, N736fs, N744fs.
Identifiers: ClinVar variation 2583949 (VCV002583949.2), dbSNP rs2533425213, ClinGen allele CA658760735.